The following is an entry in ClinVar:

ClinVar aggregate classification (germline): Conflicting classifications of pathogenicity. Review status: criteria provided, conflicting classifications (1 of 4 stars). 8 submissions from 8 submitters: Uncertain significance (1); Likely benign (6). 1 of the submissions does not count toward it. Last evaluated 2026-01-31.

Conditions:
Inborn genetic diseases. Identifiers: MedGen C0950123, MeSH D030342.
IGHMBP2-related disorder. Also called: IGHMBP2-related condition; IGHMBP2-related disorders.
Autosomal recessive distal spinal muscular atrophy 1. Also called: Spinal muscular atrophy with respiratory distress 1; NEURONOPATHY, DISTAL HEREDITARY MOTOR, HARDING TYPE VI; NEUROPATHY, DISTAL HEREDITARY MOTOR, AUTOSOMAL RECESSIVE 1; NEURONOPATHY, SEVERE INFANTILE AXONAL, WITH RESPIRATORY FAILURE; SEVERE INFANTILE AXONAL NEUROPATHY WITH RESPIRATORY FAILURE; SPINAL MUSCULAR ATROPHY, DIAPHRAGMATIC. Identifiers: Orphanet 98920, MedGen C1858517, MONDO:0011436, OMIM 604320.
Charcot-Marie-Tooth disease axonal type 2S. Also called: CHARCOT-MARIE-TOOTH NEUROPATHY, TYPE 2S; CHARCOT-MARIE-TOOTH DISEASE, AXONAL, AUTOSOMAL RECESSIVE, TYPE 2S. Identifiers: Orphanet 443073, MedGen C4015349, MONDO:0014511, OMIM 616155.

Allele frequency attached by ClinVar (database versions not stated): ExAC 0.00048; gnomAD exomes 0.00049; 1000 Genomes Project 30x 0.00156; gnomAD 0.00168 and 0.00181; 1000 Genomes Project 0.00180; TOPMed 0.00197; ESP Exome Variant Server 0.00216.
gnomAD v4.1: 517 of 1,614,026 alleles (0.032%); highest among the groups gnomAD compares: African/African-American, 0.55%; 3 homozygotes.

Submissions (8):

Labcorp Genetics (formerly Invitae), Labcorp
Classification: Likely benign for Autosomal recessive distal spinal muscular atrophy 1; Charcot-Marie-Tooth disease axonal type 2S. Last evaluated: 2026-01-31. Review status: criteria provided, single submitter. Criteria: Invitae Variant Classification Sherloc (09022015). Collection method: clinical testing. Allele origin: germline.

Blueprint Genetics
Classification: Likely benign. Last evaluated: 2024-11-26. Review status: criteria provided, single submitter. Criteria: ACMG Guidelines, 2015. Collection method: clinical testing. Allele origin: germline.

ARUP Laboratories, Molecular Genetics and Genomics, ARUP Laboratories
Classification: Likely benign. Last evaluated: 2023-11-22. Review status: criteria provided, single submitter. Criteria: ARUP Molecular Germline Variant Investigation Process 2024. Collection method: clinical testing. Allele origin: germline.

CeGaT Center for Human Genetics Tuebingen
Classification: Uncertain significance. Last evaluated: 2022-07-01. Review status: criteria provided, single submitter. Criteria: CeGaT Center For Human Genetics Tuebingen Variant Classification Criteria Version 2. Collection method: clinical testing. Allele origin: germline. Affected: yes. Observed: 1 variant allele.
Comment: IGHMBP2: PM2

Ambry Genetics
Classification: Likely benign for Inborn genetic diseases. Last evaluated: 2020-02-11. Review status: criteria provided, single submitter. Criteria: Ambry Variant Classification Scheme 2023. Collection method: clinical testing. Allele origin: germline.

GeneDx
Classification: Likely benign. Last evaluated: 2019-12-30. Review status: criteria provided, single submitter. Criteria: GeneDx Variant Classification Process June 2021. Collection method: clinical testing. Allele origin: germline. Affected: yes.

Athena Diagnostics
Classification: Likely benign. Last evaluated: 2017-12-22. Review status: criteria provided, single submitter. Criteria: Athena Diagnostics Criteria. Collection method: clinical testing. Allele origin: germline.

PreventionGenetics, part of Exact Sciences
Classification: Likely benign for IGHMBP2-related condition. Last evaluated: 2020-03-09. Review status: no assertion criteria provided. Collection method: clinical testing. Allele origin: germline. Not counted in ClinVar's aggregate classification.
Comment: This variant is classified as likely benign based on ACMG/AMP sequence variant interpretation guidelines (Richards et al. 2015 PMID: 25741868, with internal and published modifications).

NM_002180.3(IGHMBP2):c.304G>T (p.Ala102Ser)

Gene: IGHMBP2 (immunoglobulin mu DNA binding protein 2; plus strand). Cytogenetic location: 11q13.3.
Variant type: single nucleotide variant.
Coding change: c.304G>T on transcript NM_002180.3 (MANE Select); coding-DNA position 304, G replaced by T.
Protein change: p.Ala102Ser; replaces alanine 102 with serine.
Molecular consequence: missense variant.
Genome position (GRCh38, 1-based): chr11:68,908,192, G>T. VCF-style: chr11-68908192-G-T. GRCh37 (hg19) VCF-style: chr11-68675660-G-T.
Other names: short protein forms A102S.
Identifiers: ClinVar variation 466594 (VCV000466594.83), dbSNP rs35610053, ClinGen allele CA6153255.
Genomic context (GRCh38, chr11:68,908,192, plus strand): 5'-TTTGTTTTTGCAGGTGATATCGTGGGCCTGTACGATGCTGCTAATGAGGGCAGTCAGCTG[G>T]CCACTGGGATCTTGACCCGGGTCACCCAGAAGTCGGTCACGGTGGCCTTTGATGAGTCCC-3'
Protein context (NP_002171.2, residues 92-112): YDAANEGSQL[Ala102Ser]TGILTRVTQK